The following is an entry in ClinVar:

ClinVar aggregate classification (germline): Pathogenic (1 of 4 stars; one submission).

Conditions:
Sotos syndrome (SOTOS). Also called: Distinctive facial appearance, overgrowth in childhood, and learning disabilities or delayed development; SOTOS SYNDROME 1; CHROMOSOME 5q35 DELETION SYNDROME; CEREBRAL GIGANTISM; Sotos' syndrome. Identifiers: Orphanet 821, MedGen C0175695, MONDO:0019349, OMIM 117550.

Submission:

Daryl Scott Lab, Baylor College of Medicine
Classification: Pathogenic for Sotos syndrome. Last evaluated: 2024-01-01. Review status: criteria provided, single submitter. Criteria: ACMG Guidelines, 2015. Collection method: clinical testing. Allele origin: maternal. Affected: yes. Observed: 1 heterozygote.
Comment: PVS1, PM2

NM_022455.5(NSD1):c.2362del (p.Arg788fs)

Gene: NSD1 (nuclear receptor binding SET domain protein 1; plus strand). Cytogenetic location: 5q35.3.
Variant type: Deletion.
Coding change: c.2362del on transcript NM_022455.5 (MANE Select); coding-DNA position 2362, one base deleted (C; older notation c.2362delC).
Protein change: p.Arg788fs; shifts the reading frame from arginine 788.
Molecular consequence: frameshift variant.
Genome position (GRCh38, 1-based): chr5:177,210,761, C deleted; the last of 2 consecutive C bases (chr5:177,210,760-177,210,761); deleting either gives the same sequence. VCF-style (leftmost placement, unchanged base first): chr5-177210759-TC-T. GRCh37 (hg19) VCF-style: chr5-176637760-TC-T.
Other names: c.1489del, p.Arg497fs (NM_001365684.2, NM_001409306.1, NM_001409307.1 and 3 more transcripts); c.2362del, p.Arg788fs (NM_001409301.1, NM_001409302.1, NM_001409303.1); c.1942del, p.Arg648fs (NM_001409304.1); c.1609del, p.Arg537fs (NM_001409305.1); c.2362delC (NM_022455.5); short protein forms R497fs, R537fs, R648fs, R788fs.
Identifiers: ClinVar variation 3764571 (VCV003764571.1).
Genomic context (GRCh38, chr5:177,210,759, plus strand): 5'-TAATAAAGGGTGGGGCAGCAAATCAAGCTCTATTACATTCGAAAAGCAAACAGCCCAAGT[TC>T]CGAAGTATAAAGTGCAAACACAAAGAAAATCCAGTTATGGCAGAACCCCCAGTTATAAAT-3'